The following is an entry in ClinVar:

ClinVar aggregate classification (germline): Likely pathogenic. Review status: criteria provided, multiple submitters, no conflicts (2 of 4 stars). 2 submissions from 2 submitters: Likely pathogenic (2). Last evaluated 2024-04-23.

Conditions:
Iodotyrosyl coupling defect (TDH3). Also called: HYPOTHYROIDISM, CONGENITAL, DUE TO DYSHORMONOGENESIS, 3; THYROID HORMONOGENESIS, GENETIC DEFECT IN, 3. Identifiers: Orphanet 95716, MedGen C0342194, MONDO:0010135, OMIM 274700.
Autoimmune thyroid disease, susceptibility to, 3. Identifiers: MedGen C1842444, MONDO:0011982, OMIM 608175.

Submissions (2):

Fulgent Genetics
Classification: Likely pathogenic for Iodotyrosyl coupling defect; Autoimmune thyroid disease, susceptibility to, 3. Last evaluated: 2024-04-23. Review status: criteria provided, single submitter. Criteria: ACMG Guidelines, 2015. Collection method: clinical testing. Allele origin: germline.

Labcorp Genetics (formerly Invitae), Labcorp
Classification: Likely pathogenic. Last evaluated: 2023-03-07. Review status: criteria provided, single submitter. Criteria: Invitae Variant Classification Sherloc (09022015). Collection method: clinical testing. Allele origin: germline.
Comment: This variant is not present in population databases (gnomAD no frequency). This sequence change affects a donor splice site in intron 16 of the TG gene. It is expected to disrupt RNA splicing. Variants that disrupt the donor or acceptor splice site typically lead to a loss of protein function (PMID: 16199547), and loss-of-function variants in TG are known to be pathogenic (PMID: 19837936, 23164529). In summary, the currently available evidence indicates that the variant is pathogenic, but additional data are needed to prove that conclusively. Therefore, this variant has been classified as Likely Pathogenic. Algorithms developed to predict the effect of sequence changes on RNA splicing suggest that this variant may disrupt the consensus splice site. This variant has not been reported in the literature in individuals affected with TG-related conditions.

Literature cited by the submitters: PubMed 16199547 (cited by Labcorp Genetics (formerly Invitae), Labcorp); PubMed 19837936 (cited by Labcorp Genetics (formerly Invitae), Labcorp); PubMed 23164529 (cited by Labcorp Genetics (formerly Invitae), Labcorp).

NM_003235.5(TG):c.3634+1G>A

Gene: TG (thyroglobulin; plus strand). Cytogenetic location: 8q24.22.
Variant type: single nucleotide variant.
Coding change: c.3634+1G>A on transcript NM_003235.5 (MANE Select); the canonical splice donor site of the intron after coding-DNA position 3634, G replaced by A.
Molecular consequence: splice donor variant.
Genome position (GRCh38, 1-based): chr8:132,901,554, G>A. VCF-style: chr8-132901554-G-A. GRCh37 (hg19) VCF-style: chr8-133913799-G-A.
Identifiers: ClinVar variation 2800601 (VCV002800601.4), dbSNP rs2490067471, ClinGen allele CA372242662.